The following is an entry in ClinVar:

NM_052947.4(ALPK2):c.5998C>A (p.Gln2000Lys)

Gene: ALPK2 (alpha kinase 2; minus strand). Cytogenetic location: 18q21.31.
Variant type: single nucleotide variant.
Coding change: c.5998C>A on transcript NM_052947.4 (MANE Select); coding-DNA position 5998, C replaced by A.
Protein change: p.Gln2000Lys; replaces glutamine 2000 with lysine.
Molecular consequence: missense variant.
Genome position (GRCh38, 1-based): chr18:58,515,024, G>T on the plus strand (C>A on the coding strand, the complement: ALPK2 is on the minus strand). VCF-style: chr18-58515024-G-T. GRCh37 (hg19) VCF-style: chr18-56182256-G-T.
Other names: short protein forms Q2000K.
Identifiers: ClinVar variation 3290719 (VCV003290719.1).

ClinVar aggregate classification (germline): Uncertain significance (1 of 4 stars; one submission).

Submission:

Ambry Genetics
Classification: Uncertain significance. Last evaluated: 2024-06-10. Review status: criteria provided, single submitter. Criteria: Ambry Variant Classification Scheme 2023. Collection method: clinical testing. Allele origin: germline.
Comment: The p.Q2000K variant (also known as c.5998C>A), located in coding exon 9 of the ALPK2 gene, results from a C to A substitution at nucleotide position 5998. The glutamine at codon 2000 is replaced by lysine, an amino acid with similar properties. This amino acid position is conserved. In addition, this alteration is predicted to be tolerated by in silico analysis. Based on the available evidence, the clinical significance of this variant remains unclear.